The following is an entry in ClinVar:

ClinVar aggregate classification (germline): Uncertain significance (1 of 4 stars; one submission).

gnomAD v4.1: 1 of 1,612,770 alleles (0.000062%); highest among the groups gnomAD compares: Non-Finnish European, 0.000085%; no homozygotes.

Submission:

Labcorp Genetics (formerly Invitae), Labcorp
Classification: Uncertain significance. Last evaluated: 2024-11-18. Review status: criteria provided, single submitter. Criteria: Invitae Variant Classification Sherloc (09022015). Collection method: clinical testing. Allele origin: germline.
Comment: This sequence change replaces glutamine, which is neutral and polar, with histidine, which is basic and polar, at codon 197 of the STUB1 protein (p.Gln197His). This variant is not present in population databases (gnomAD no frequency). This variant has not been reported in the literature in individuals affected with STUB1-related conditions. ClinVar contains an entry for this variant (Variation ID: 1721903). Invitae Evidence Modeling of protein sequence and biophysical properties (such as structural, functional, and spatial information, amino acid conservation, physicochemical variation, residue mobility, and thermodynamic stability) indicates that this missense variant is not expected to disrupt STUB1 protein function with a negative predictive value of 80%. In summary, the available evidence is currently insufficient to determine the role of this variant in disease. Therefore, it has been classified as a Variant of Uncertain Significance.

NM_005861.4(STUB1):c.591G>C (p.Gln197His)

Genes: JMJD8 (jumonji domain containing 8; minus strand), STUB1 (STIP1 homology and U-box containing protein 1; plus strand). Cytogenetic location: 16p13.3.
Variant type: single nucleotide variant.
Coding change: c.591G>C on transcript NM_005861.4 (MANE Select); coding-DNA position 591, G replaced by C.
Protein change: p.Gln197His; replaces glutamine 197 with histidine.
Molecular consequence: missense variant. On other transcripts: 3 prime UTR variant (5), non-coding transcript variant (3).
Genome position (GRCh38, 1-based): chr16:681,859, G>C. VCF-style: chr16-681859-G-C. GRCh37 (hg19) VCF-style: chr16-731859-G-C.
Other names: c.375G>C, p.Gln125His (NM_001293197.2); c.*935C>G (NM_001005920.4, NM_001323919.3, NM_001323920.3); c.*969C>G (NM_001323918.3, NM_001323922.3); short protein forms Q125H, Q197H.
Identifiers: ClinVar variation 1721903 (VCV001721903.5), dbSNP rs2543810029, ClinGen allele CA394113135.
Genomic context (GRCh38, chr16:681,859, plus strand): 5'-GGAAGAGTGCCAGCGAAACCACGAGGGTGATGAGGACGACAGCCACGTCCGGGCCCAGCA[G>C]GCCTGCATTGAGGCCAAGCACGTGAGGGTGCCCCCCACCCACATGTGGGTCTGTGTGTGT-3'
Protein context (NP_005852.2, residues 187-207): DEDDSHVRAQ[Gln197His]ACIEAKHDKY